The following is an entry in ClinVar:

NM_001110556.2(FLNA):c.7757-16A>T

Genes: FLNA (filamin A; minus strand), LOC107988032 (Xq28 proximal FLNA-EMD recombination region; plus strand). Cytogenetic location: Xq28.
Variant type: single nucleotide variant.
Coding change: c.7757-16A>T on transcript NM_001110556.2 (MANE Select); 16 bases into the intron before coding-DNA position 7757, A replaced by T.
Molecular consequence: intron variant.
Genome position (GRCh38, 1-based): chrX:154,349,052, T>A on the plus strand (A>T on the coding strand, the complement: FLNA is on the minus strand). VCF-style: chrX-154349052-T-A. GRCh37 (hg19) VCF-style: chrX-153577420-T-A.
Other names: c.7733-16A>T (NM_001456.4).
Identifiers: ClinVar variation 385877 (VCV000385877.6), dbSNP rs1057522350, ClinGen allele CA16608792.

ClinVar aggregate classification (germline): Likely benign. Review status: criteria provided, multiple submitters, no conflicts (2 of 4 stars). 2 submissions from 2 submitters: Likely benign (2). Last evaluated 2024-10-24.

Conditions:
Oto-palato-digital syndrome, type II (OPD2). Also called: FACIOPALATOOSSEOUS SYNDROME; OPD II SYNDROME; Otopalatodigital Syndrome Type 2 (FLNA-OPD2); Otopalatodigital Syndrome, Type II. Identifiers: Orphanet 669, Orphanet 90652, MedGen C1844696, MONDO:0010571, OMIM 304120.
Heterotopia, periventricular, X-linked dominant (PVNH1). Also called: PERIVENTRICULAR NODULAR HETEROTOPIA 1; X-linked periventricular heterotopia; PERIVENTRICULAR NODULAR HETEROTOPIA 4; HETEROTOPIA, PERIVENTRICULAR, 1. Identifiers: Orphanet 2149, Orphanet 82004, MedGen C1848213, MONDO:0010233, OMIM 300049.
Frontometaphyseal dysplasia (FMD1). Identifiers: Orphanet 1826, MedGen C0265293, MONDO:0015942.
Melnick-Needles syndrome (MNS). Also called: MELNICK-NEEDLES OSTEODYSPLASTY; OSTEODYSPLASTY OF MELNICK AND NEEDLES; Melnick-Needles Syndrome (FLNA-MNS). Identifiers: Orphanet 2484, MedGen C0025237, MONDO:0010650, OMIM 309350.

Submissions (2):

Labcorp Genetics (formerly Invitae), Labcorp
Classification: Likely benign for Oto-palato-digital syndrome, type II; Heterotopia, periventricular, X-linked dominant; Frontometaphyseal dysplasia; Melnick-Needles syndrome. Last evaluated: 2024-10-24. Review status: criteria provided, single submitter. Criteria: Invitae Variant Classification Sherloc (09022015). Collection method: clinical testing. Allele origin: germline.

GeneDx
Classification: Likely benign. Last evaluated: 2016-05-12. Review status: criteria provided, single submitter. Criteria: GeneDx Variant Classification (06012015). Collection method: clinical testing. Allele origin: germline. Affected: yes.
Comment: This variant is considered likely benign or benign based on one or more of the following criteria: it is a conservative change, it occurs at a poorly conserved position in the protein, it is predicted to be benign by multiple in silico algorithms, and/or has population frequency not consistent with disease.